The following is an entry in ClinVar:

NM_014425.5(INVS):c.1355A>C (p.Gln452Pro)

Gene: INVS (inversin; plus strand). Cytogenetic location: 9q31.1.
Variant type: single nucleotide variant.
Coding change: c.1355A>C on transcript NM_014425.5 (MANE Select); coding-DNA position 1355, A replaced by C.
Protein change: p.Gln452Pro; replaces glutamine 452 with proline.
Molecular consequence: missense variant. On other transcripts: non-coding transcript variant (1).
Genome position (GRCh38, 1-based): chr9:100,253,027, A>C. VCF-style: chr9-100253027-A-C. GRCh37 (hg19) VCF-style: chr9-103015309-A-C.
Other names: c.1067A>C, p.Gln356Pro (NM_001318381.2); c.377A>C, p.Gln126Pro (NM_001318382.2); short protein forms Q126P, Q356P, Q452P.
Identifiers: ClinVar variation 1056948 (VCV001056948.9), dbSNP rs2118563198, ClinGen allele CA374364861.
Genomic context (GRCh38, chr9:100,253,027, plus strand): 5'-TGGGAGGAAATGCTGATGTTTGCCAGATATTAATAGAAAATAAGATCAATCCAAATGTCC[A>C]GGATTATGCAGGAAGAACCCCTTTGCAGTGTGCAGCATATGGAGGCTATATCAACTGCAT-3'
Protein context (NP_055240.2, residues 442-462): LIENKINPNV[Gln452Pro]DYAGRTPLQC

ClinVar aggregate classification (germline): Uncertain significance (1 of 4 stars; one submission).

Conditions:
Nephronophthisis. Also called: Juvenile Nephronophthisis. Identifiers: Orphanet 655, MedGen C0687120, MONDO:0019005, HP:0000090.

Submission:

Labcorp Genetics (formerly Invitae), Labcorp
Classification: Uncertain significance for Nephronophthisis. Last evaluated: 2020-01-26. Review status: criteria provided, single submitter. Criteria: Invitae Variant Classification Sherloc (09022015). Collection method: clinical testing. Allele origin: germline.
Comment: This variant is not present in population databases (ExAC no frequency). This sequence change replaces glutamine with proline at codon 452 of the INVS protein (p.Gln452Pro). The glutamine residue is highly conserved and there is a moderate physicochemical difference between glutamine and proline. This variant has not been reported in the literature in individuals with INVS-related conditions. In summary, the available evidence is currently insufficient to determine the role of this variant in disease. Therefore, it has been classified as a Variant of Uncertain Significance. Algorithms developed to predict the effect of missense changes on protein structure and function are either unavailable or do not agree on the potential impact of this missense change (SIFT: "Deleterious"; PolyPhen-2: "Benign"; Align-GVGD: "Class C65").